The following is an entry in ClinVar:

NM_000254.3(MTR):c.313C>T (p.Gln105Ter)

Gene: MTR (5-methyltetrahydrofolate-homocysteine methyltransferase; plus strand). Cytogenetic location: 1q43.
Variant type: single nucleotide variant.
Coding change: c.313C>T on transcript NM_000254.3 (MANE Select); coding-DNA position 313, C replaced by T.
Protein change: p.Gln105Ter; replaces glutamine 105 with a stop codon.
Molecular consequence: nonsense. On other transcripts: 5 prime UTR variant (1).
Genome position (GRCh38, 1-based): chr1:236,806,207, C>T. VCF-style: chr1-236806207-C-T. GRCh37 (hg19) VCF-style: chr1-236969507-C-T.
Other names: c.313C>T, p.Gln105Ter (NM_001291939.1, NM_001410942.1); c.-796C>T (NM_001291940.2); short protein forms Q105*.
Identifiers: ClinVar variation 2696262 (VCV002696262.3), dbSNP rs2527833447, ClinGen allele CA345381630.

ClinVar aggregate classification (germline): Pathogenic (1 of 4 stars; one submission).

Conditions:
Methylcobalamin deficiency type cblG (HMAG). Also called: HOMOCYSTINURIA-MEGALOBLASTIC ANEMIA, cblG TYPE; HOMOCYSTINURIA-MEGALOBLASTIC ANEMIA DUE TO DEFECT IN COBALAMIN METABOLISM, cblG COMPLEMENTATION TYPE; Functional methionine synthase deficiency type cblG; HOMOCYSTINURIA-MEGALOBLASTIC ANEMIA, cblG COMPLEMENTATION TYPE. Identifiers: Orphanet 2170, Orphanet 622, MedGen C1855128, MONDO:0009609, OMIM 250940.

Submission:

Labcorp Genetics (formerly Invitae), Labcorp
Classification: Pathogenic for Methylcobalamin deficiency type cblG. Last evaluated: 2023-11-15. Review status: criteria provided, single submitter. Criteria: Invitae Variant Classification Sherloc (09022015). Collection method: clinical testing. Allele origin: germline.
Comment: This sequence change creates a premature translational stop signal (p.Gln105*) in the MTR gene. It is expected to result in an absent or disrupted protein product. Loss-of-function variants in MTR are known to be pathogenic (PMID: 9683607, 12068375). This variant is not present in population databases (gnomAD no frequency). This variant has not been reported in the literature in individuals affected with MTR-related conditions. For these reasons, this variant has been classified as Pathogenic.

Literature cited by the submitters: PubMed 9683607; PubMed 12068375.